The following is an entry in ClinVar:

NM_001352514.2(HLCS):c.1960+1G>A

Gene: HLCS (holocarboxylase synthetase; minus strand). Cytogenetic location: 21q22.13.
Variant type: single nucleotide variant.
Coding change: c.1960+1G>A on transcript NM_001352514.2 (MANE Select); the canonical splice donor site of the intron after coding-DNA position 1960, G replaced by A.
Molecular consequence: splice donor variant.
Genome position (GRCh38, 1-based): chr21:36,767,217, C>T on the plus strand (G>A on the coding strand, the complement: HLCS is on the minus strand). VCF-style: chr21-36767217-C-T. GRCh37 (hg19) VCF-style: chr21-38139518-C-T.
Other names: c.1519+1G>A (NM_001352517.1, NM_001242785.2, NM_001352515.2 and 4 more transcripts).
Identifiers: ClinVar variation 2119119 (VCV002119119.5), dbSNP rs2090068896, ClinGen allele CA409921717.

ClinVar aggregate classification (germline): Likely pathogenic (1 of 4 stars; one submission).

Conditions:
Holocarboxylase synthetase deficiency. Also called: MULTIPLE CARBOXYLASE DEFICIENCY, EARLY ONSET. Identifiers: Orphanet 79242, MedGen C0268581, MONDO:0009666, OMIM 253270.

Submission:

Labcorp Genetics (formerly Invitae), Labcorp
Classification: Likely pathogenic for Holocarboxylase synthetase deficiency. Last evaluated: 2022-03-28. Review status: criteria provided, single submitter. Criteria: Invitae Variant Classification Sherloc (09022015). Collection method: clinical testing. Allele origin: germline.
Comment: This sequence change affects a donor splice site in intron 8 of the HLCS gene. It is expected to disrupt RNA splicing. Variants that disrupt the donor or acceptor splice site typically lead to a loss of protein function (PMID: 16199547), and loss-of-function variants in HLCS are known to be pathogenic (PMID: 16134170). In summary, the currently available evidence indicates that the variant is pathogenic, but additional data are needed to prove that conclusively. Therefore, this variant has been classified as Likely Pathogenic. Algorithms developed to predict the effect of sequence changes on RNA splicing suggest that this variant may disrupt the consensus splice site. This variant has not been reported in the literature in individuals affected with HLCS-related conditions. This variant is not present in population databases (gnomAD no frequency).

Literature cited by the submitters: PubMed 16199547; PubMed 16134170.